The following is an entry in ClinVar:

NM_153704.6(TMEM67):c.224-2del

Gene: TMEM67 (transmembrane protein 67; plus strand). Cytogenetic location: 8q22.1.
Variant type: Deletion.
Coding change: c.224-2del on transcript NM_153704.6 (MANE Select); the canonical splice acceptor site of the intron before coding-DNA position 224, one base deleted (A; older notation c.224-2delA).
Molecular consequence: splice acceptor variant. On other transcripts: intron variant (1).
Genome position (GRCh38, 1-based): chr8:93,755,776, A deleted. VCF-style (leftmost placement, unchanged base first): chr8-93755775-TA-T. GRCh37 (hg19) VCF-style: chr8-94768003-TA-T.
Other names: c.224-2delA (NM_153704.5); c.-62+639del (NM_001142301.1).
Identifiers: ClinVar variation 56771 (VCV000056771.7), dbSNP rs386834190, ClinGen allele CA144459.

ClinVar aggregate classification (germline): Pathogenic/Likely pathogenic. Review status: criteria provided, multiple submitters, no conflicts (2 of 4 stars). 4 submissions from 4 submitters: Pathogenic (2); Likely pathogenic (1). 1 of the submissions does not count toward it. Last evaluated 2023-08-30.

Conditions:
COACH syndrome 1. Identifiers: Orphanet 1454, MedGen C5435651, MONDO:0800103, OMIM 216360, MONDO:0008996.
Joubert syndrome 6 (JBTS6). Identifiers: Orphanet 475, MedGen C1853153, MONDO:0012539, OMIM 610688.
RHYNS syndrome. Also called: RETINITIS PIGMENTOSA SYNDROME; RETINITIS PIGMENTOSA, HYPOPITUITARISM, NEPHRONOPHTHISIS, AND MILD SKELETAL DYSPLASIA. Identifiers: Orphanet 140976, MedGen C1865794, MONDO:0011202, OMIM 602152.
Nephronophthisis 11 (NPHP11). Identifiers: Orphanet 84081, MedGen C3150796, MONDO:0013302, OMIM 613550.
Bardet-Biedl syndrome 14 (BBS14). Identifiers: Orphanet 110, MedGen C2673874, MONDO:0014442, OMIM 615991.
Meckel syndrome, type 3 (MKS3). Also called: MECKEL-GRUBER SYNDROME, TYPE 3. Identifiers: Orphanet 564, MedGen C1846357, MONDO:0011821, OMIM 607361.
Meckel-Gruber syndrome. Also called: DYSENCEPHALIA SPLANCHNOCYSTICA; GRUBER SYNDROME; Dysencephalia splachnocystica. Identifiers: Orphanet 564, MedGen C0265215, MONDO:0018921.
Joubert syndrome. Also called: CEREBELLOPARENCHYMAL DISORDER IV; JOUBERT-BOLTSHAUSER SYNDROME; Familial aplasia of the vermis. Identifiers: Orphanet 475, MedGen C5979921, MONDO:0018772.

Allele frequency attached by ClinVar (database versions not stated): gnomAD 0.00010.

Submissions (4):

Department of Pathology and Laboratory Medicine, Sinai Health System
Classification: Likely pathogenic for RHYNS syndrome; COACH syndrome 1; Nephronophthisis 11; Joubert syndrome 6. Last evaluated: 2023-08-30. Review status: criteria provided, single submitter. Criteria: ACMG Guidelines, 2015. Collection method: research. Allele origin: germline.

Labcorp Genetics (formerly Invitae), Labcorp
Classification: Pathogenic for Joubert syndrome; Meckel-Gruber syndrome. Last evaluated: 2023-07-16. Review status: criteria provided, single submitter. Criteria: Invitae Variant Classification Sherloc (09022015). Collection method: clinical testing. Allele origin: germline.
Comment: Disruption of this splice site has been observed in individual(s) with clinical features of TMEM67-related conditions (PMID: 17377820). This variant is not present in population databases (gnomAD no frequency). This sequence change affects a splice site in intron 1 of the TMEM67 gene. RNA analysis indicates that disruption of this splice site induces altered splicing and may result in an absent or disrupted protein product. For these reasons, this variant has been classified as Pathogenic. Studies have shown that disruption of this splice site results in skipping of exon 2 and introduces a premature termination codon (PMID: 17377820). The resulting mRNA is expected to undergo nonsense-mediated decay. ClinVar contains an entry for this variant (Variation ID: 56771). This variant is also known as IVS1-2delA.

Fulgent Genetics
Classification: Pathogenic for COACH syndrome 1; RHYNS syndrome; Meckel syndrome, type 3; Joubert syndrome 6; Nephronophthisis 11; Bardet-Biedl syndrome 14. Last evaluated: 2021-09-22. Review status: criteria provided, single submitter. Criteria: ACMG Guidelines, 2015. Collection method: clinical testing. Allele origin: unknown.

Juha Muilu Group; Institute for Molecular Medicine Finland (FIMM)
Classification: Likely pathogenic for Meckel syndrome type 3. Review status: no assertion criteria provided. Collection method: not provided. Allele origin: unknown. Not counted in ClinVar's aggregate classification.
Comment: FinDis database variant: This variant was not found or characterized by our laboratory, data were collected from public sources: see reference
ClinVar note: Converted during submission from probable-pathogenic to Likely pathogenic.

Literature cited by the submitters: PubMed 17377820 (cited by Labcorp Genetics (formerly Invitae), Labcorp).